The following is an entry in ClinVar:

NM_000256.3(MYBPC3):c.3753T>G (p.Tyr1251Ter)

Gene: MYBPC3 (myosin binding protein C3; minus strand). Cytogenetic location: 11p11.2.
Variant type: single nucleotide variant.
Coding change: c.3753T>G on transcript NM_000256.3 (MANE Select); coding-DNA position 3753, T replaced by G.
Protein change: p.Tyr1251Ter; replaces tyrosine 1251 with a stop codon.
Molecular consequence: nonsense.
Genome position (GRCh38, 1-based): chr11:47,332,133, A>C on the plus strand (T>G on the coding strand, the complement: MYBPC3 is on the minus strand). VCF-style: chr11-47332133-A-C. GRCh37 (hg19) VCF-style: chr11-47353684-A-C.
Other names: short protein forms Y1251*.
Identifiers: ClinVar variation 177818 (VCV000177818.5), dbSNP rs397516039, ClinGen allele CA014787.

ClinVar aggregate classification (germline): Pathogenic. Review status: criteria provided, single submitter (1 of 4 stars). 2 submissions from 2 submitters: Pathogenic (1). 1 of the submissions does not count toward it. Last evaluated 2019-08-13.

Conditions:
Hypertrophic cardiomyopathy. Also called: HYPERTROPHIC MYOCARDIOPATHY. Identifiers: Orphanet 217569, MedGen C0007194, MeSH D002312, MONDO:0005045, HP:0001639.

Submissions (2):

Labcorp Genetics (formerly Invitae), Labcorp
Classification: Pathogenic for Hypertrophic cardiomyopathy. Last evaluated: 2019-08-13. Review status: criteria provided, single submitter. Criteria: Invitae Variant Classification Sherloc (09022015). Collection method: clinical testing. Allele origin: germline.
Comment: This sequence change creates a premature translational stop signal (p.Tyr1251*) in the MYBPC3 gene. It is expected to result in an absent or disrupted protein product. This variant is not present in population databases (ExAC no frequency). This variant has been observed in several individuals affected with hypertrophic cardiomyopathy (PMID: 20624503, 27532257). ClinVar contains an entry for this variant (Variation ID: 177818). Algorithms developed to predict the effect of sequence changes on RNA splicing suggest that this variant may create or strengthen a splice site, but this prediction has not been confirmed by published transcriptional studies. Loss-of-function variants in MYBPC3 are known to be pathogenic (PMID: 19574547). For these reasons, this variant has been classified as Pathogenic.

Laboratory for Molecular Medicine, Mass General Brigham Personalized Medicine
Classification: Pathogenic for Hypertrophic cardiomyopathy. Last evaluated: 2013-03-04. Review status: no assertion criteria provided. Collection method: clinical testing. Allele origin: germline. Inheritance: Autosomal dominant inheritance. Observed: 1 variant allele. Not counted in ClinVar's aggregate classification.
Comment: proposed classification - variant undergoing re-assessment, contact laboratory

Literature cited by the submitters: PubMed 27532257 (cited by Labcorp Genetics (formerly Invitae), Labcorp); PubMed 20624503 (cited by Labcorp Genetics (formerly Invitae), Labcorp).